The following is an entry in ClinVar:

NM_006612.6(KIF1C):c.2734C>T (p.Arg912Trp)

Gene: KIF1C (kinesin family member 1C; plus strand). Cytogenetic location: 17p13.2.
Variant type: single nucleotide variant.
Coding change: c.2734C>T on transcript NM_006612.6 (MANE Select); coding-DNA position 2734, C replaced by T.
Protein change: p.Arg912Trp; replaces arginine 912 with tryptophan.
Molecular consequence: missense variant.
Genome position (GRCh38, 1-based): chr17:5,023,573, C>T. VCF-style: chr17-5023573-C-T. GRCh37 (hg19) VCF-style: chr17-4926868-C-T.
Other names: short protein forms R912W.
Identifiers: ClinVar variation 209167 (VCV000209167.59), dbSNP rs202232792, ClinGen allele CA250366.

ClinVar aggregate classification (germline): Conflicting classifications of pathogenicity. Review status: criteria provided, conflicting classifications (1 of 4 stars). 7 submissions from 7 submitters: Uncertain significance (3); Benign (1); Likely benign (2). 1 of the submissions does not count toward it. Last evaluated 2026-09-01.

Conditions:
KIF1C-related disorder. Also called: KIF1C-related condition.
Spastic ataxia 2. Also called: Ataxia, spastic, 2, autosomal recessive. Identifiers: Orphanet 397946, MedGen C1969796, MONDO:0012651, OMIM 611302.
Hereditary spastic paraplegia. Also called: Familial spastic paraparesis. Identifiers: Orphanet 685, MedGen C0037773, MONDO:0019064. Disease mechanism: loss of function.

Allele frequency attached by ClinVar (database versions not stated): ESP Exome Variant Server 0.00085; 1000 Genomes Project 30x 0.00094; gnomAD 0.00115 and 0.00119; 1000 Genomes Project 0.00120; TOPMed 0.00133; gnomAD exomes 0.00148 and 0.00156; ExAC 0.00156.
gnomAD v4.1: 2,483 of 1,613,520 alleles (0.15%); highest among the groups gnomAD compares: East Asian, 0.68%; 7 homozygotes.

Submissions (7):

CeGaT Center for Human Genetics Tuebingen
Classification: Likely benign. Last evaluated: 2026-09-01. Review status: criteria provided, single submitter. Criteria: CeGaT Center For Human Genetics Tuebingen Variant Classification Criteria Version 2. Collection method: clinical testing. Allele origin: germline. Affected: yes. Observed: 15 variant alleles.
Comment: KIF1C: BP4, BS2

Labcorp Genetics (formerly Invitae), Labcorp
Classification: Benign for Spastic ataxia 2. Last evaluated: 2026-02-01. Review status: criteria provided, single submitter. Criteria: Invitae Variant Classification Sherloc (09022015). Collection method: clinical testing. Allele origin: germline.

GeneDx
Classification: Likely benign. Last evaluated: 2019-05-24. Review status: criteria provided, single submitter. Criteria: GeneDx Variant Classification Process June 2021. Collection method: clinical testing. Allele origin: germline. Affected: yes.
Comment: This variant is associated with the following publications: (PMID: 26633545, 31101064, 28832565)

Genome Diagnostics Laboratory, The Hospital for Sick Children
Classification: Uncertain significance for Hereditary spastic paraplegia. Last evaluated: 2018-02-01. Review status: criteria provided, single submitter. Criteria: ACMG Guidelines, 2015. Collection method: clinical testing. Allele origin: germline. Affected: yes.

Unit for Genetic & Epidemiological Research on Neurological Disorders, Instituto de Investigação e Inovação em Saúde
Classification: Uncertain significance for Hereditary spastic paraplegia. Last evaluated: 2017-03-07. Review status: criteria provided, single submitter. Criteria: Morais et al. (Eur J Hum Genet. 2017). Collection method: research. Allele origin: unknown. Affected: yes.

Baylor Genetics
Classification: Uncertain significance for Spastic ataxia 2. Review status: criteria provided, single submitter. Criteria: ACMG Guidelines, 2015. Collection method: clinical testing. Allele origin: unknown. Study: Adult_WES.

PreventionGenetics, part of Exact Sciences
Classification: Likely benign for KIF1C-related condition. Last evaluated: 2020-02-14. Review status: no assertion criteria provided. Collection method: clinical testing. Allele origin: germline. Not counted in ClinVar's aggregate classification.
Comment: This variant is classified as likely benign based on ACMG/AMP sequence variant interpretation guidelines (Richards et al. 2015 PMID: 25741868, with internal and published modifications).

Literature cited by the submitters: PubMed 26633545 (cited by Baylor Genetics).